The following is an entry in ClinVar:

NM_000264.5(PTCH1):c.3440T>C (p.Phe1147Ser)

Gene: PTCH1 (patched 1; minus strand). Cytogenetic location: 9q22.32.
Variant type: single nucleotide variant.
Coding change: c.3440T>C on transcript NM_000264.5 (MANE Select); coding-DNA position 3440, T replaced by C.
Protein change: p.Phe1147Ser; replaces phenylalanine 1147 with serine.
Molecular consequence: missense variant. On other transcripts: non-coding transcript variant (1).
Genome position (GRCh38, 1-based): chr9:95,453,487, A>G on the plus strand (T>C on the coding strand, the complement: PTCH1 is on the minus strand). VCF-style: chr9-95453487-A-G. GRCh37 (hg19) VCF-style: chr9-98215769-A-G.
Other names: c.3242T>C, p.Phe1081Ser (NM_001083602.3); c.3437T>C, p.Phe1146Ser (NM_001083603.3); c.2987T>C, p.Phe996Ser (NM_001083604.3, NM_001083605.3, NM_001083606.3 and 1 more transcripts); c.3284T>C, p.Phe1095Ser (NM_001354918.2); short protein forms F1081S, F1147S, F1095S, F1146S, F996S.
Identifiers: ClinVar variation 428843 (VCV000428843.5), dbSNP rs1131690990, ClinGen allele CA374111664.

ClinVar aggregate classification (germline): Likely pathogenic (1 of 4 stars; one submission).

Conditions:
Hereditary cancer-predisposing syndrome. Also called: Hereditary Cancer Syndrome; Neoplastic Syndromes, Hereditary; Hereditary neoplastic syndrome; Tumor predisposition. Identifiers: Orphanet 140162, MedGen C0027672, MeSH D009386, MONDO:0015356.

Submission:

Ambry Genetics
Classification: Likely pathogenic for Hereditary cancer-predisposing syndrome. Last evaluated: 2016-01-05. Review status: criteria provided, single submitter. Criteria: Ambry Variant Classification Scheme 2023. Collection method: clinical testing. Allele origin: germline.
Comment: The p.F1147S variant (also known as c.3440T>C), located in coding exon 20 of the PTCH1 gene, results from a T to C substitution at nucleotide position 3440. The phenylalanine at codon 1147 is replaced by serine, an amino acid with highly dissimilar properties. One of this individual's keratocystic odontogenic tumors showed LOH (Sun LS et al. J Dent Res. 2008 Jun;87(6):575-9; Pan S et al. Clin Cancer Res. 2010 Jan 15;16(2):442-50). The p.F1147S variant was not reported in population based cohorts in the following databases: Database of Single Nucleotide Polymorphisms (dbSNP), NHLBI Exome Sequencing Project (ESP), and 1000 Genomes Project. In the ESP, this variant was not observed in 6503 samples (13006 alleles) with coverage at this position. To date, this alteration has been detected with an allele frequency of approximately 0.4% (greater than 300 alleles tested) in our clinical cohort. This amino acid position is highly conserved in available vertebrate species. In addition, this alteration is predicted to be deleterious by in silico analysis. Based on the majority of available evidence to date, this variant is likely to be pathogenic.